The following is an entry in ClinVar:

ClinVar aggregate classification (germline): Conflicting classifications of pathogenicity. Review status: criteria provided, conflicting classifications (1 of 4 stars). 13 submissions from 13 submitters: Uncertain significance (8); Likely benign (3). 2 of the submissions do not count toward it. Last evaluated 2026-09-01.

Conditions:
ABCG5-related disorder. Also called: ABCG5-related condition.
Sitosterolemia 1. Identifiers: MedGen C2749759, MONDO:0020747, OMIM 210250.
Sitosterolemia 2. Identifiers: MedGen C5231453, MONDO:0020748, OMIM 618666.
Cardiovascular phenotype. Identifiers: MedGen CN230736.
Sitosterolemia (STSL). Also called: PHYTOSTEROLEMIA. Identifiers: Orphanet 2882, MedGen C0342907, MONDO:0008863.

Allele frequency attached by ClinVar (database versions not stated): gnomAD 0.00121 and 0.00127; 1000 Genomes Project 30x 0.00203; gnomAD exomes 0.00040 and 0.00016; TOPMed 0.00154; ESP Exome Variant Server 0.00146; 1000 Genomes Project 0.00200; ExAC 0.00050.
gnomAD v4.1: 433 of 1,605,208 alleles (0.027%); highest among the groups gnomAD compares: African/African-American, 0.47%; 5 homozygotes.

Submissions (13):

CeGaT Center for Human Genetics Tuebingen
Classification: Likely benign. Last evaluated: 2026-09-01. Review status: criteria provided, single submitter. Criteria: CeGaT Center For Human Genetics Tuebingen Variant Classification Criteria Version 2. Collection method: clinical testing. Allele origin: germline. Affected: yes. Observed: 1 variant allele.
Comment: ABCG5: BS2

PreventionGenetics, part of Exact Sciences
Classification: Uncertain significance for ABCG5-related condition. Last evaluated: 2026-06-02. Review status: criteria provided, single submitter. Criteria: ACMG Guidelines, 2015. Collection method: clinical testing. Allele origin: germline.
Comment: The ABCG5 c.1744G>A variant is predicted to result in the amino acid substitution p.Gly582Arg. This variant was reported with uncertain significance in study of individuals with dyslipidemia and metabolic disorders, however specific details regarding patient phenotype and variant information were not provided (Supplementary Tables S3 and S4, Dron et al. 2020. PubMed ID: 32041611). This variant is reported in 0.49% of alleles in individuals of African descent in gnomAD, which is likely too common to be a primary cause of disease. Although we suspect this variant may be benign, at this time, the clinical significance is uncertain due to the absence of conclusive functional and genetic evidence.

Women's Health and Genetics/Laboratory Corporation of America, LabCorp
Classification: Likely benign. Last evaluated: 2026-05-04. Review status: criteria provided, single submitter. Criteria: LabCorp Variant Classification Summary - May 2015. Collection method: clinical testing. Allele origin: germline.
Comment: Variant summary: ABCG5 c.1744G>A (p.Gly582Arg) results in a non-conservative amino acid change in the encoded protein sequence. Algorithms developed to predict the effect of missense changes on protein structure and function all suggest that this variant is likely to be disruptive. The variant allele was found at a frequency of 0.0004 in 251054 control chromosomes, predominantly at a frequency of 0.0054 within the African or African-American subpopulation in the gnomAD database. The observed variant frequency within African or African-American control individuals in the gnomAD database exceeds the estimated maximal expected allele frequency for disease-causing variants in ABCG5. c.1744G>A has been reported in the literature in individuals undertaking genetic testing for dyslipidemia and metabolic disorders, without strong evidence for causality (Dron_2020). The report does not provide unequivocal conclusions about association of the variant with Early Onset Coronary Artery Disease. To our knowledge, no experimental evidence demonstrating an impact on protein function has been reported. The following publication have been ascertained in the context of this evaluation (PMID: 32041611). ClinVar contains an entry for this variant (Variation ID: 290953). Based on the evidence outlined above, the variant was classified as likely benign.

Labcorp Genetics (formerly Invitae), Labcorp
Classification: Likely benign for Sitosterolemia. Last evaluated: 2026-01-19. Review status: criteria provided, single submitter. Criteria: Invitae Variant Classification Sherloc (09022015). Collection method: clinical testing. Allele origin: germline.

Blueprint Genetics
Classification: Uncertain significance. Last evaluated: 2024-10-24. Review status: criteria provided, single submitter. Criteria: ACMG Guidelines, 2015. Collection method: clinical testing. Allele origin: germline.

Ambry Genetics
Classification: Uncertain significance for Cardiovascular phenotype. Last evaluated: 2024-06-20. Review status: criteria provided, single submitter. Criteria: Ambry Variant Classification Scheme 2023. Collection method: clinical testing. Allele origin: germline.
Comment: The p.G582R variant (also known as c.1744G>A), located in coding exon 12 of the ABCG5 gene, results from a G to A substitution at nucleotide position 1744. The glycine at codon 582 is replaced by arginine, an amino acid with dissimilar properties. This variant has been reported in subjects with cholestasis, lipid disorders and stroke (Alkhamis FA et al. Funct Integr Genomics, 2023 Mar;23:102; Dron JS et al. BMC Med Genomics, 2020 Feb;13:23; Aamann L et al. Scand J Gastroenterol, 2018 Mar;53:305-311). This amino acid position is well conserved in available vertebrate species. In addition, this alteration is predicted to be deleterious by in silico analysis. Based on the available evidence, the clinical significance of this variant remains unclear.

Mayo Clinic Laboratories, Mayo Clinic
Classification: Uncertain significance. Last evaluated: 2022-10-04. Review status: criteria provided, single submitter. Criteria: ACMG Guidelines, 2015. Collection method: clinical testing. Allele origin: germline. Observed: 1 variant allele.

New York Genome Center
Classification: Uncertain significance for Sitosterolemia 2. Last evaluated: 2021-09-17. Review status: criteria provided, single submitter. Criteria: NYGC Assertion Criteria 2020. Collection method: clinical testing. Allele origin: germline. Observed: 1 heterozygote.

GeneDx
Classification: Uncertain significance. Last evaluated: 2021-03-22. Review status: criteria provided, single submitter. Criteria: GeneDx Variant Classification Process June 2021. Collection method: clinical testing. Allele origin: germline. Affected: yes.
Comment: Identified in the heterozygous state in an adult with unexplained cholestasis (Aamann et al., 2018); Identified with an allele frequency of 0.017% among individuals with familial hypercholesterolemia (Reeskamp et al., 2020); In silico analysis supports that this missense variant has a deleterious effect on protein structure/function This variant is associated with the following publications: (PMID: 29304564, 32088153)

Eurofins Ntd Llc (ga)
Classification: Uncertain significance. Last evaluated: 2018-07-10. Review status: criteria provided, single submitter. Criteria: EGL ClinVar v180209 classification definitions. Collection method: clinical testing. Allele origin: germline. Observed: 5 variant alleles, 5 heterozygotes.

Illumina Laboratory Services, Illumina
Classification: Uncertain significance for Sitosterolemia 1. Last evaluated: 2018-01-12. Review status: criteria provided, single submitter. Criteria: ICSL Variant Classification Criteria 13 December 2019. Collection method: clinical testing. Allele origin: germline.

Clinical Genetics DNA and cytogenetics Diagnostics Lab, Erasmus MC, Erasmus Medical Center
Classification: Uncertain significance. Review status: no assertion criteria provided. Collection method: clinical testing. Allele origin: germline. Affected: yes. Study: VKGL Data-share Consensus. Not counted in ClinVar's aggregate classification.

Clinical Genetics, Academic Medical Center
Classification: Uncertain significance. Review status: no assertion criteria provided. Collection method: clinical testing. Allele origin: germline. Affected: yes. Study: VKGL Data-share Consensus. Not counted in ClinVar's aggregate classification.

Literature cited by the submitters: PubMed 32041611 (cited by 3 submitters); PubMed 29304564 (cited by Ambry Genetics and Mayo Clinic Laboratories, Mayo Clinic); PubMed 36973604 (cited by Ambry Genetics); PubMed 32088153 (cited by Mayo Clinic Laboratories, Mayo Clinic).

NM_022436.3(ABCG5):c.1744G>A (p.Gly582Arg)

Genes: DYNC2LI1 (dynein cytoplasmic 2 light intermediate chain 1; plus strand), ABCG5 (ATP binding cassette subfamily G member 5; minus strand). Cytogenetic location: 2p21.
Variant type: single nucleotide variant.
Coding change: c.1744G>A on transcript NM_022436.3 (MANE Select); coding-DNA position 1744, G replaced by A.
Protein change: p.Gly582Arg; replaces glycine 582 with arginine.
Molecular consequence: missense variant. On other transcripts: intron variant (2).
Genome position (GRCh38, 1-based): chr2:43,814,495, C>T on the plus strand (G>A on the coding strand, the complement: ABCG5 is on the minus strand). VCF-style: chr2-43814495-C-T. GRCh37 (hg19) VCF-style: chr2-44041634-C-T.
Other names: p.Gly582Arg; c.*15+3971C>T (NM_001348913.2, NM_001348912.2); short protein forms G582R.
Identifiers: ClinVar variation 290953 (VCV000290953.29), dbSNP rs144973796, ClinGen allele CA1636181.
Genomic context (GRCh38, chr2:43,814,495, plus strand): 5'-AGAGTAACATGCAAAAATAATATCCCCAAATAGAATACTTACCACAAGTGAAATTCAGTC[C>T]GTAGAACTCATTGACTACAAGAATCTCACTGCAATATTTTTGGAATGTAAAATAACTGAT-3'
Protein context (NP_071881.1, residues 572-592): SEILVVNEFY[Gly582Arg]LNFTCGSSNV